The following is an entry in ClinVar:

ClinVar aggregate classification (germline): Uncertain significance. Review status: criteria provided, multiple submitters, no conflicts (2 of 4 stars). 3 submissions from 3 submitters: Uncertain significance (3). Last evaluated 2025-06-06.

Conditions:
Inborn genetic diseases. Identifiers: MedGen C0950123, MeSH D030342.
Arthrogryposis, distal, type 1A. Also called: ARTHROGRYPOSIS MULTIPLEX CONGENITA, DISTAL, TYPE I. Identifiers: Orphanet 1146, MedGen C6022280, MONDO:0007157, OMIM 108120.

Allele frequency attached by ClinVar (database versions not stated): gnomAD exomes below 0.00001.
gnomAD v4.1: 1 of 1,614,128 alleles (0.000062%); highest among the groups gnomAD compares: Non-Finnish European, 0.000085%; no homozygotes.

Submissions (3):

Ambry Genetics
Classification: Uncertain significance for Inborn genetic diseases. Last evaluated: 2025-06-06. Review status: criteria provided, single submitter. Criteria: Ambry Variant Classification Scheme 2023. Collection method: clinical testing. Allele origin: germline.

Labcorp Genetics (formerly Invitae), Labcorp
Classification: Uncertain significance for Arthrogryposis, distal, type 1A. Last evaluated: 2023-04-09. Review status: criteria provided, single submitter. Criteria: Invitae Variant Classification Sherloc (09022015). Collection method: clinical testing. Allele origin: germline.
Comment: Advanced modeling of protein sequence and biophysical properties (such as structural, functional, and spatial information, amino acid conservation, physicochemical variation, residue mobility, and thermodynamic stability) performed at Invitae indicates that this missense variant is not expected to disrupt TPM2 protein function. ClinVar contains an entry for this variant (Variation ID: 1313703). This variant has not been reported in the literature in individuals affected with TPM2-related conditions. This variant is not present in population databases (gnomAD no frequency). This sequence change replaces arginine, which is basic and polar, with glutamine, which is neutral and polar, at codon 101 of the TPM2 protein (p.Arg101Gln). In summary, the available evidence is currently insufficient to determine the role of this variant in disease. Therefore, it has been classified as a Variant of Uncertain Significance.

GeneDx
Classification: Uncertain significance. Last evaluated: 2021-08-24. Review status: criteria provided, single submitter. Criteria: GeneDx Variant Classification Process June 2021. Collection method: clinical testing. Allele origin: germline. Affected: yes.
Comment: Not observed in large population cohorts (Lek et al., 2016); Missense variants in this gene are often considered pathogenic (Stenson et al., 2014); In silico analysis supports that this missense variant has a deleterious effect on protein structure/function; Has not been previously published as pathogenic or benign to our knowledge

NM_003289.4(TPM2):c.302G>A (p.Arg101Gln)

Gene: TPM2 (tropomyosin 2; minus strand). Cytogenetic location: 9p13.3.
Variant type: single nucleotide variant.
Coding change: c.302G>A on transcript NM_003289.4 (MANE Select); coding-DNA position 302, G replaced by A.
Protein change: p.Arg101Gln; replaces arginine 101 with glutamine.
Molecular consequence: missense variant.
Genome position (GRCh38, 1-based): chr9:35,685,719, C>T on the plus strand (G>A on the coding strand, the complement: TPM2 is on the minus strand). VCF-style: chr9-35685719-C-T. GRCh37 (hg19) VCF-style: chr9-35685716-C-T.
Other names: c.302G>A, p.Arg101Gln (NM_001301226.2, NM_001301227.2, NM_213674.1); short protein forms R101Q.
Identifiers: ClinVar variation 1313703 (VCV001313703.6), dbSNP rs2131853430, ClinGen allele CA373368325.
Genomic context (GRCh38, chr9:35,685,719, plus strand): 5'-TCAGCCGCCTTCTCGGCCTCCTCCAGCTTCTGCAGGGCTGTAGCCAGGCGCTCCTGGGCC[C>T]GGTCCAGCTCCTCCTCAACCAGCTGAATGCGGCGGTTCAGGGAGGCCACATCTGCCTCAG-3'
Protein context (NP_003280.2, residues 91-111): RIQLVEEELD[Arg101Gln]AQERLATALQ